The following is an entry in ClinVar:

ClinVar aggregate classification (germline): Benign/Likely benign. Review status: criteria provided, multiple submitters, no conflicts (2 of 4 stars). 4 submissions from 4 submitters: Benign (1); Likely benign (2). 1 of the submissions does not count toward it. Last evaluated 2026-01-28.

Conditions:
Complex neurodevelopmental disorder with or without congenital anomalies. Identifiers: MedGen CN315647, MONDO:0100465.
TRRAP-related disorder. Also called: TRRAP-related condition.

Allele frequency attached by ClinVar (database versions not stated): gnomAD exomes 0.00005; TOPMed 0.00013; gnomAD 0.00015; ExAC 0.00024; 1000 Genomes Project 0.00040; 1000 Genomes Project 30x 0.00047.
gnomAD v4.1: 120 of 1,612,526 alleles (0.0074%); highest among the groups gnomAD compares: East Asian, 0.18%; no homozygotes.

Submissions (5):

Labcorp Genetics (formerly Invitae), Labcorp
Classification: Benign. Last evaluated: 2026-01-28. Review status: criteria provided, single submitter. Criteria: Invitae Variant Classification Sherloc (09022015). Collection method: clinical testing. Allele origin: germline.

Blueprint Genetics
Classification: Likely benign. Last evaluated: 2024-11-08. Review status: criteria provided, single submitter. Criteria: ACMG Guidelines, 2015. Collection method: clinical testing. Allele origin: germline.

Department of Pathology and Laboratory Medicine, Sinai Health System
Classification: Likely benign for complex neurodevelopmental disorder with or without congenital anomalies. Last evaluated: 2023-12-19. Review status: criteria provided, single submitter. Criteria: ACMG Guidelines, 2015. Collection method: research. Allele origin: germline.

PreventionGenetics, part of Exact Sciences
Classification: Likely benign for TRRAP-related condition. Last evaluated: 2021-10-13. Review status: no assertion criteria provided. Collection method: clinical testing. Allele origin: germline. Not counted in ClinVar's aggregate classification.
Comment: This variant is classified as likely benign based on ACMG/AMP sequence variant interpretation guidelines (Richards et al. 2015 PMID: 25741868, with internal and published modifications).

Dr. Peter K. Rogan Lab, Western University
No classification provided (evidence only). Condition: Malignant tumor of esophagus. Review status: no classification provided. Collection method: in vitro. Allele origin: not applicable. Functional consequence: retained intron. Not counted in ClinVar's aggregate classification.

NM_001375524.1(TRRAP):c.3592-6T>A

Gene: TRRAP (transformation/transcription domain associated protein; plus strand). Cytogenetic location: 7q22.1.
Variant type: single nucleotide variant.
Coding change: c.3592-6T>A on transcript NM_001375524.1 (MANE Select); 6 bases into the intron before coding-DNA position 3592, T replaced by A.
Molecular consequence: intron variant.
Genome position (GRCh38, 1-based): chr7:98,931,399, T>A. VCF-style: chr7-98931399-T-A. GRCh37 (hg19) VCF-style: chr7-98529022-T-A.
Other names: c.3592-6T>A (NM_001244580.2, NM_003496.4, NM_003496.3).
Identifiers: ClinVar variation 2053328 (VCV002053328.9), dbSNP rs199875903, ClinGen allele CA4360032.